The following is an entry in ClinVar:

NM_001018100.5(MYZAP):c.1258G>T (p.Glu420Ter)

Genes: GCOM1 (GCOM1, MYZAP-POLR2M combined locus; plus strand), MYZAP (myocardial zonula adherens protein; plus strand). Cytogenetic location: 15q21.3.
Variant type: single nucleotide variant.
Coding change: c.1258G>T on transcript NM_001018100.5 (MANE Select); coding-DNA position 1258, G replaced by T.
Protein change: p.Glu420Ter; replaces glutamic acid 420 with a stop codon.
Molecular consequence: nonsense. On other transcripts: non-coding transcript variant (1).
Genome position (GRCh38, 1-based): chr15:57,675,022, G>T. VCF-style: chr15-57675022-G-T. GRCh37 (hg19) VCF-style: chr15-57967220-G-T.
Other names: c.1174G>T, p.Glu392Ter (NM_152451.8); c.1258G>T, p.Glu420Ter (NM_001018090.6, NM_001018091.6, NM_001285900.3); short protein forms E392*, E420*.
Identifiers: ClinVar variation 4849368 (VCV004849368.1).
Genomic context (GRCh38, chr15:57,675,022, plus strand): 5'-CTCCAGAATAATGAACTACAAAGCAGGTTGGACTATTTAACAGAAACCCAGGCCAAGACC[G>T]AAGTGGAAACCAGAGAGATAGGAGTGGGCTGTGATCTTCTACCCAGGTATTTAGGAATTT-3'

ClinVar aggregate classification (germline): Likely pathogenic (1 of 4 stars; one submission).

Conditions:
Cardiomyopathy, dilated, 2K. Identifiers: MedGen C5935636, MONDO:0971175, OMIM 620894.

gnomAD v4.1: 4 of 1,613,450 alleles (0.00025%); highest among the groups gnomAD compares: South Asian, 0.0011%; no homozygotes.

Submission:

First Genomix Gene Laboratory, Genetic Diagnostics Department
Classification: Likely pathogenic for Cardiomyopathy, dilated, 2K. Last evaluated: 2025-07-15. Review status: criteria provided, single submitter. Criteria: ACMG Guidelines, 2015. Collection method: clinical testing. Allele origin: germline. Inheritance: Autosomal recessive inheritance. Affected: no. Observed: 1 variant allele.